The following is an entry in ClinVar:

NM_004612.4(TGFBR1):c.301T>C (p.Cys101Arg)

Gene: TGFBR1 (transforming growth factor beta receptor 1; plus strand). Cytogenetic location: 9q22.33.
Variant type: single nucleotide variant.
Coding change: c.301T>C on transcript NM_004612.4 (MANE Select); coding-DNA position 301, T replaced by C.
Protein change: p.Cys101Arg; replaces cysteine 101 with arginine.
Molecular consequence: missense variant. On other transcripts: non-coding transcript variant (4), intron variant (3).
Genome position (GRCh38, 1-based): chr9:99,129,058, T>C. VCF-style: chr9-99129058-T-C. GRCh37 (hg19) VCF-style: chr9-101891340-T-C.
Other names: c.94T>C, p.Cys32Arg (NM_001407427.1, NM_001407428.1, NM_001407429.1 and 12 more transcripts); c.301T>C, p.Cys101Arg (NM_001407435.1, NM_001130916.3, NM_001306210.2 and 2 more transcripts); c.98-3451T>C (NM_001407436.1); c.98-8801T>C (NM_001407438.1); c.98-13478T>C (NM_001407437.1); short protein forms C32R, C101R.
Identifiers: ClinVar variation 3968089 (VCV003968089.1).
Genomic context (GRCh38, chr9:99,129,058, plus strand): 5'-GATAGGCCGTTTGTATGTGCACCCTCTTCAAAAACTGGGTCTGTGACTACAACATATTGC[T>C]GCAATCAGGACCATTGCAATAAAATAGAACTTCCAACTACTGGTAAGTTGTATAAAATTT-3'
Protein context (NP_004603.1, residues 91-111): KTGSVTTTYC[Cys101Arg]NQDHCNKIEL

ClinVar aggregate classification (germline): Uncertain significance (1 of 4 stars; one submission).

Conditions:
Familial thoracic aortic aneurysm and aortic dissection (TAAD). Also called: Thoracic aortic aneurysms and dissections. Identifiers: Orphanet 91387, MedGen C4707243, MONDO:0019625.

Submission:

Ambry Genetics
Classification: Uncertain significance for Familial thoracic aortic aneurysm and aortic dissection. Last evaluated: 2025-05-24. Review status: criteria provided, single submitter. Criteria: Ambry Variant Classification Scheme 2023. Collection method: clinical testing. Allele origin: germline.
Comment: The p.C101R variant (also known as c.301T>C), located in coding exon 2 of the TGFBR1 gene, results from a T to C substitution at nucleotide position 301. The cysteine at codon 101 is replaced by arginine, an amino acid with highly dissimilar properties. This amino acid position is conserved. In addition, this alteration is predicted to be deleterious by in silico analysis. Based on the available evidence, the clinical significance of this variant remains unclear.